The following is an entry in ClinVar:

NC_012920.1(MT-TN):m.5662C>T

Gene: MT-TN (mitochondrially encoded tRNA asparagine; minus strand).
Variant type: single nucleotide variant.
Genome position: chrM-5662-C-T.
Identifiers: ClinVar variation 689968 (VCV000689968.1), dbSNP rs1603220078, ClinGen allele CA913180160.

ClinVar aggregate classification (germline): Likely benign (1 of 4 stars; one submission).

Conditions:
MELAS syndrome (MELAS). Also called: Juvenile myopathy, encephalopathy, lactic acidosis, stroke. Identifiers: Orphanet 550, MedGen C0162671, MONDO:0010789, OMIM 540000.

Submission:

Wong Mito Lab, Molecular and Human Genetics, Baylor College of Medicine
Classification: Likely benign for MELAS syndrome. Last evaluated: 2019-07-12. Review status: criteria provided, single submitter. Criteria: Modified ACMG Guidelines (Unpublished). Collection method: clinical testing. Allele origin: germline.
Comment: The NC_012920.1:m.5662C>T variant in MT-TN gene is interpreted to be a Likely Benign variant based on the modified ACMG guidelines (unpublished). This variant meets the following evidence codes reported in the guidelines: BS4, BP4, BP6

Literature cited by the submitters: PubMed 31965079.